The following is an entry in ClinVar:

NM_001347721.2(DYRK1A):c.1183A>T (p.Asn395Tyr)

Gene: DYRK1A (dual specificity tyrosine phosphorylation regulated kinase 1A; plus strand). Cytogenetic location: 21q22.13.
Variant type: single nucleotide variant.
Coding change: c.1183A>T on transcript NM_001347721.2 (MANE Select); coding-DNA position 1183, A replaced by T.
Protein change: p.Asn395Tyr; replaces asparagine 395 with tyrosine.
Molecular consequence: missense variant.
Genome position (GRCh38, 1-based): chr21:37,496,229, A>T. VCF-style: chr21-37496229-A-T. GRCh37 (hg19) VCF-style: chr21-38868531-A-T.
Other names: c.1183A>T, p.Asn395Tyr (NM_001347722.2, NM_130436.2); c.1096A>T, p.Asn366Tyr (NM_001347723.2); c.1210A>T, p.Asn404Tyr (NM_001396.5, NM_101395.2, NM_130438.2); short protein forms N366Y, N395Y, N404Y.
Identifiers: ClinVar variation 1176762 (VCV001176762.37), dbSNP rs2148627786, ClinGen allele CA409937146.
Genomic context (GRCh38, chr21:37,496,229, plus strand): 5'-ATTCTTGACCAAGCACCAAAAGCAAGAAAGTTCTTTGAGAAGTTGCCAGATGGCACTTGG[A>T]ACTTAAAGAAGACCAAAGATGGAAAACGGGTAAAATAAGGATATATCTGTTTTGAGCCTT-3'
Protein context (NP_001334650.1, residues 385-405): FFEKLPDGTW[Asn395Tyr]LKKTKDGKRE

ClinVar aggregate classification (germline): Uncertain significance. Review status: criteria provided, multiple submitters, no conflicts (2 of 4 stars). 2 submissions from 2 submitters: Uncertain significance (2). Last evaluated 2024-05-22.

Conditions:
DYRK1A-related intellectual disability syndrome (MRD7). Also called: DYRK1A Syndrome; Intellectual developmental disorder, autosomal dominant 7. Identifiers: Orphanet 464306, MedGen C5568143, MONDO:0013578, OMIM 614104.

Submissions (2):

Labcorp Genetics (formerly Invitae), Labcorp
Classification: Uncertain significance for DYRK1A-related intellectual disability syndrome. Last evaluated: 2024-05-22. Review status: criteria provided, single submitter. Criteria: Invitae Variant Classification Sherloc (09022015). Collection method: clinical testing. Allele origin: germline.
Comment: This sequence change replaces asparagine, which is neutral and polar, with tyrosine, which is neutral and polar, at codon 404 of the DYRK1A protein (p.Asn404Tyr). This variant is not present in population databases (gnomAD no frequency). This variant has not been reported in the literature in individuals affected with DYRK1A-related conditions. ClinVar contains an entry for this variant (Variation ID: 1176762). Advanced modeling of protein sequence and biophysical properties (such as structural, functional, and spatial information, amino acid conservation, physicochemical variation, residue mobility, and thermodynamic stability) performed at Invitae indicates that this missense variant is not expected to disrupt DYRK1A protein function with a negative predictive value of 80%. In summary, the available evidence is currently insufficient to determine the role of this variant in disease. Therefore, it has been classified as a Variant of Uncertain Significance.

CeGaT Center for Human Genetics Tuebingen
Classification: Uncertain significance. Last evaluated: 2021-10-01. Review status: criteria provided, single submitter. Criteria: CeGaT Center For Human Genetics Tuebingen Variant Classification Criteria Version 2. Collection method: clinical testing. Allele origin: germline. Affected: yes. Observed: 2 variant alleles.